The following is an entry in ClinVar:

ClinVar aggregate classification (germline): Uncertain significance. Review status: criteria provided, multiple submitters, no conflicts (2 of 4 stars). 2 submissions from 2 submitters: Uncertain significance (2). Last evaluated 2026-01-05.

Conditions:
Inborn genetic diseases. Identifiers: MedGen C0950123, MeSH D030342.

Submissions (2):

Ambry Genetics
Classification: Uncertain significance for Inborn genetic diseases. Last evaluated: 2026-01-05. Review status: criteria provided, single submitter. Criteria: Ambry Variant Classification Scheme 2023. Collection method: clinical testing. Allele origin: germline.

Labcorp Genetics (formerly Invitae), Labcorp
Classification: Uncertain significance. Last evaluated: 2024-03-21. Review status: criteria provided, single submitter. Criteria: Invitae Variant Classification Sherloc (09022015). Collection method: clinical testing. Allele origin: germline.
Comment: This sequence change replaces serine, which is neutral and polar, with arginine, which is basic and polar, at codon 31 of the KMT2E protein (p.Ser31Arg). This variant is not present in population databases (gnomAD no frequency). This variant has not been reported in the literature in individuals affected with KMT2E-related conditions. Advanced modeling of protein sequence and biophysical properties (such as structural, functional, and spatial information, amino acid conservation, physicochemical variation, residue mobility, and thermodynamic stability) performed at Invitae indicates that this missense variant is expected to disrupt KMT2E protein function with a positive predictive value of 80%. In summary, the available evidence is currently insufficient to determine the role of this variant in disease. Therefore, it has been classified as a Variant of Uncertain Significance.

NM_182931.3(KMT2E):c.91A>C (p.Ser31Arg)

Gene: KMT2E (lysine methyltransferase 2E (inactive); plus strand). Cytogenetic location: 7q22.3.
Variant type: single nucleotide variant.
Coding change: c.91A>C on transcript NM_182931.3 (MANE Select); coding-DNA position 91, A replaced by C.
Protein change: p.Ser31Arg; replaces serine 31 with arginine.
Molecular consequence: missense variant.
Genome position (GRCh38, 1-based): chr7:105,062,183, A>C. VCF-style: chr7-105062183-A-C. GRCh37 (hg19) VCF-style: chr7-104702630-A-C.
Other names: c.91A>C (NM_182931.2); c.91A>C, p.Ser31Arg (NM_001410908.1, NM_018682.4); short protein forms S31R.
Identifiers: ClinVar variation 3675225 (VCV003675225.3).